The following is an entry in ClinVar:

NM_001110556.2(FLNA):c.6503-2A>C

Gene: FLNA (filamin A; minus strand). Cytogenetic location: Xq28.
Variant type: single nucleotide variant.
Coding change: c.6503-2A>C on transcript NM_001110556.2 (MANE Select); the canonical splice acceptor site of the intron before coding-DNA position 6503, A replaced by C.
Molecular consequence: splice acceptor variant.
Genome position (GRCh38, 1-based): chrX:154,352,449, T>G on the plus strand (A>C on the coding strand, the complement: FLNA is on the minus strand). VCF-style: chrX-154352449-T-G. GRCh37 (hg19) VCF-style: chrX-153580817-T-G.
Other names: c.6479-2A>C (NM_001456.4).
Identifiers: ClinVar variation 405448 (VCV000405448.8), dbSNP rs112363874, ClinGen allele CA16616646.

ClinVar aggregate classification (germline): Likely pathogenic (1 of 4 stars; one submission).

Conditions:
Heterotopia, periventricular, X-linked dominant (PVNH1). Also called: PERIVENTRICULAR NODULAR HETEROTOPIA 4; HETEROTOPIA, PERIVENTRICULAR, 1; PERIVENTRICULAR NODULAR HETEROTOPIA 1; X-linked periventricular heterotopia. Identifiers: Orphanet 2149, Orphanet 82004, MedGen C1848213, MONDO:0010233, OMIM 300049.
Oto-palato-digital syndrome, type II (OPD2). Also called: Otopalatodigital Syndrome, Type II; Otopalatodigital Syndrome Type 2 (FLNA-OPD2); FACIOPALATOOSSEOUS SYNDROME; OPD II SYNDROME. Identifiers: Orphanet 669, Orphanet 90652, MedGen C1844696, MONDO:0010571, OMIM 304120.
Frontometaphyseal dysplasia (FMD1). Identifiers: Orphanet 1826, MedGen C0265293, MONDO:0015942.
Melnick-Needles syndrome (MNS). Also called: Melnick-Needles Syndrome (FLNA-MNS); MELNICK-NEEDLES OSTEODYSPLASTY; OSTEODYSPLASTY OF MELNICK AND NEEDLES. Identifiers: Orphanet 2484, MedGen C0025237, MONDO:0010650, OMIM 309350.

Submission:

Labcorp Genetics (formerly Invitae), Labcorp
Classification: Likely pathogenic for Oto-palato-digital syndrome, type II; Heterotopia, periventricular, X-linked dominant; Frontometaphyseal dysplasia; Melnick-Needles syndrome. Last evaluated: 2016-06-21. Review status: criteria provided, single submitter. Criteria: Invitae Variant Classification Sherloc (09022015). Collection method: clinical testing. Allele origin: germline.
Comment: Algorithms developed to predict the effect of sequence changes on mRNA splicing suggest that this variant may alter mRNA splicing, but this prediction has not been confirmed by published transcriptional studies. This sequence change affects an acceptor splice site in intron 39 of the FLNA gene. It is expected to disrupt mRNA splicing and likely results in an absent or disrupted protein product. This variant is not present in population databases (ExAC no frequency) and has not been reported in the literature in individuals with a FLNA-related disease. In summary, donor and acceptor splice site variants are typically truncating (PMID: 16199547), and truncating variants in FLNA are known to be pathogenic (PMID: 26471271). However, without additional functional and/or genetic data, this variant has been classified as Likely Pathogenic.

Literature cited by the submitters: PubMed 16199547; PubMed 26471271.